The following is an entry in ClinVar:

ClinVar aggregate classification (germline): Pathogenic (1 of 4 stars; one submission).

Conditions:
Alport syndrome. Also called: Hemorrhagic familial nephritis; Hemorrhagic hereditary nephritis; Congenital hereditary hematuria. Identifiers: Orphanet 63, MedGen C1567741, MONDO:0018965.

Submission:

Myriad Genetics, Inc.
Classification: Pathogenic for Alport syndrome. Last evaluated: 2024-02-15. Review status: criteria provided, single submitter. Criteria: Myriad Autosomal Dominant, Autosomal Recessive and X-Linked Classification Criteria (2023). Collection method: clinical testing. Allele origin: unknown.
Comment: NM_000092.4(COL4A4):c.4207_4212del6ins4(S1403Pfs*29) is expected to be pathogenic in the context of Alport syndrome, COL4A4-related. This variant is predicted to lead to an abnormal or absent protein product due to the creation of a premature termination codon in COL4A4, a gene where loss-of-function variants are known to be pathogenic. Please note: this variant was assessed in the context of healthy population screening.

NM_000092.5(COL4A4):c.4207_4212delinsCCAG (p.Ser1403fs)

Gene: COL4A4 (collagen type IV alpha 4 chain; minus strand). Cytogenetic location: 2q36.3.
Variant type: Indel.
Coding change: c.4207_4212delinsCCAG on transcript NM_000092.5 (MANE Select); coding-DNA positions 4207 to 4212, TCAGGA replaced by CCAG.
Protein change: p.Ser1403fs; shifts the reading frame from serine 1403.
Molecular consequence: frameshift variant.
Genome position (GRCh38, 1-based): chr2:227,022,052-227,022,057, TCCTGA replaced by CTGG on the plus strand (TCAGGA replaced by CCAG on the coding strand, the reverse complement: COL4A4 is on the minus strand). VCF-style: chr2-227022052-TCCTGA-CTGG. GRCh37 (hg19) VCF-style: chr2-227886768-TCCTGA-CTGG.
Other names: short protein forms S1403fs.
Identifiers: ClinVar variation 5012746 (VCV005012746.1).